The following is an entry in ClinVar:

NM_001330260.2(SCN8A):c.2967T>A (p.Asp989Glu)

Gene: SCN8A (sodium voltage-gated channel alpha subunit 8; plus strand). Cytogenetic location: 12q13.13.
Variant type: single nucleotide variant.
Coding change: c.2967T>A on transcript NM_001330260.2 (MANE Select); coding-DNA position 2967, T replaced by A.
Protein change: p.Asp989Glu; replaces aspartic acid 989 with glutamic acid.
Molecular consequence: missense variant.
Genome position (GRCh38, 1-based): chr12:51,768,930, T>A. VCF-style: chr12-51768930-T-A. GRCh37 (hg19) VCF-style: chr12-52162714-T-A.
Other names: c.2967T>A, p.Asp989Glu (NM_001177984.3, NM_001369788.1, NM_014191.4); short protein forms D989E.
Identifiers: ClinVar variation 2578319 (VCV002578319.5), dbSNP rs759936291, ClinGen allele CA6571533.

ClinVar aggregate classification (germline): Uncertain significance. Review status: criteria provided, multiple submitters, no conflicts (2 of 4 stars). 3 submissions from 3 submitters: Uncertain significance (3). Last evaluated 2026-06-01.

Conditions:
Early-infantile DEE. Also called: Early infantile epileptic encephalopathy; Ohtahara syndrome; Early infantile epileptic encephalopathy with suppression bursts. Identifiers: Orphanet 1934, MedGen C0393706, MONDO:0800491.

Allele frequency attached by ClinVar (database versions not stated): TOPMed below 0.00001; ExAC 0.00001; gnomAD exomes 0.00001.
gnomAD v4.1: 3 of 1,604,460 alleles (0.00019%); highest among the groups gnomAD compares: Admixed American, 0.005%; no homozygotes.

Submissions (3):

CeGaT Center for Human Genetics Tuebingen
Classification: Uncertain significance. Last evaluated: 2026-06-01. Review status: criteria provided, single submitter. Criteria: CeGaT Center For Human Genetics Tuebingen Variant Classification Criteria Version 2. Collection method: clinical testing. Allele origin: germline. Affected: yes. Observed: 1 variant allele.
Comment: SCN8A: PP2, PP3

Labcorp Genetics (formerly Invitae), Labcorp
Classification: Uncertain significance for Early-infantile DEE. Last evaluated: 2026-01-09. Review status: criteria provided, single submitter. Criteria: Invitae Variant Classification Sherloc (09022015). Collection method: clinical testing. Allele origin: germline.
Comment: This sequence change replaces aspartic acid, which is acidic and polar, with glutamic acid, which is acidic and polar, at codon 989 of the SCN8A protein (p.Asp989Glu). This variant is present in population databases (rs759936291, gnomAD 0.009%). This variant has not been reported in the literature in individuals affected with SCN8A-related conditions. ClinVar contains an entry for this variant (Variation ID: 2578319). Invitae Evidence Modeling of protein sequence and biophysical properties (such as structural, functional, and spatial information, amino acid conservation, physicochemical variation, residue mobility, and thermodynamic stability) indicates that this missense variant is not expected to disrupt SCN8A protein function with a negative predictive value of 95%. In summary, the available evidence is currently insufficient to determine the role of this variant in disease. Therefore, it has been classified as a Variant of Uncertain Significance.

GeneDx
Classification: Uncertain significance. Last evaluated: 2023-03-02. Review status: criteria provided, single submitter. Criteria: GeneDx Variant Classification Process June 2021. Collection method: clinical testing. Allele origin: germline. Affected: yes.
Comment: Missense variants in this gene are often considered pathogenic (HGMD); In silico analysis supports that this missense variant has a deleterious effect on protein structure/function; Has not been previously published as pathogenic or benign to our knowledge; This substitution is predicted to be in the cytoplasmic loop between the second and third homologous domains.